The following is an entry in ClinVar:

ClinVar aggregate classification (germline): Uncertain significance. Review status: criteria provided, multiple submitters, no conflicts (2 of 4 stars). 6 submissions from 6 submitters: Uncertain significance (4). 2 of the submissions do not count toward it. Last evaluated 2025-03-25.

Conditions:
Ghosal hematodiaphyseal dysplasia. Also called: Ghosal hematodiaphyseal syndrome. Identifiers: Orphanet 1802, MedGen C1856465, MONDO:0009274, OMIM 231095.

Allele frequency attached by ClinVar (database versions not stated): gnomAD exomes 0.00011; TOPMed 0.00012; ExAC 0.00013; gnomAD 0.00014 and 0.00015; 1000 Genomes Project 30x 0.00031; 1000 Genomes Project 0.00040; ESP Exome Variant Server 0.00046.
gnomAD v4.1: 214 of 1,614,020 alleles (0.013%); highest among the groups gnomAD compares: Non-Finnish European, 0.017%; no homozygotes.

Submissions (6):

Women's Health and Genetics/Laboratory Corporation of America, LabCorp
Classification: Uncertain significance. Last evaluated: 2025-03-25. Review status: criteria provided, single submitter. Criteria: LabCorp Variant Classification Summary - May 2015. Collection method: clinical testing. Allele origin: germline.
Comment: Variant summary: TBXAS1 c.796C>T (p.Arg266Trp) results in a non-conservative amino acid change in the encoded protein sequence. Five of five in-silico tools predict a damaging effect of the variant on protein function. The variant allele was found at a frequency of 0.00011 in 251476 control chromosomes. This frequency is not significantly higher than estimated for a pathogenic variant in TBXAS1 causing Ghosal Hematodiaphyseal Dysplasia, allowing no conclusion about variant significance. To our knowledge, no occurrence of c.796C>T in individuals affected with Ghosal Hematodiaphyseal Dysplasia and no experimental evidence demonstrating its impact on protein function have been reported. ClinVar contains an entry for this variant (Variation ID: 1307069). Based on the evidence outlined above, the variant was classified as uncertain significance.

Labcorp Genetics (formerly Invitae), Labcorp
Classification: Uncertain significance. Last evaluated: 2024-04-10. Review status: criteria provided, single submitter. Criteria: Invitae Variant Classification Sherloc (09022015). Collection method: clinical testing. Allele origin: germline.
Comment: This sequence change replaces arginine, which is basic and polar, with tryptophan, which is neutral and slightly polar, at codon 267 of the TBXAS1 protein (p.Arg267Trp). This variant is present in population databases (rs140774405, gnomAD 0.02%). This variant has not been reported in the literature in individuals affected with TBXAS1-related conditions. ClinVar contains an entry for this variant (Variation ID: 1307069). An algorithm developed to predict the effect of missense changes on protein structure and function (PolyPhen-2) suggests that this variant is likely to be disruptive. In summary, the available evidence is currently insufficient to determine the role of this variant in disease. Therefore, it has been classified as a Variant of Uncertain Significance.

Department of Pathology and Laboratory Medicine, Sinai Health System
Classification: Uncertain significance for Ghosal hematodiaphyseal dysplasia. Last evaluated: 2020-08-31. Review status: criteria provided, single submitter. Criteria: ACMG Guidelines, 2015. Collection method: research. Allele origin: germline.

GeneDx
Classification: Uncertain significance. Last evaluated: 2020-06-17. Review status: criteria provided, single submitter. Criteria: GeneDx Variant Classification Process June 2021. Collection method: clinical testing. Allele origin: germline. Affected: yes.
Comment: In silico analysis supports that this missense variant has a deleterious effect on protein structure/function; Has not been previously published as pathogenic or benign to our knowledge

Clinical Genetics DNA and cytogenetics Diagnostics Lab, Erasmus MC, Erasmus Medical Center
Classification: Uncertain significance. Review status: no assertion criteria provided. Collection method: clinical testing. Allele origin: germline. Affected: yes. Study: VKGL Data-share Consensus. Not counted in ClinVar's aggregate classification.

Joint Genome Diagnostic Labs from Nijmegen and Maastricht, Radboudumc and MUMC+
Classification: Uncertain significance. Review status: no assertion criteria provided. Collection method: clinical testing. Allele origin: germline. Affected: yes. Study: VKGL Data-share Consensus. Not counted in ClinVar's aggregate classification.

NM_001061.7(TBXAS1):c.796C>T (p.Arg266Trp)

Gene: TBXAS1 (thromboxane A synthase 1; plus strand). Cytogenetic location: 7q34.
Variant type: single nucleotide variant.
Coding change: c.796C>T on transcript NM_001061.7 (MANE Select); coding-DNA position 796, C replaced by T.
Protein change: p.Arg266Trp; replaces arginine 266 with tryptophan.
Molecular consequence: missense variant.
Genome position (GRCh38, 1-based): chr7:139,957,741, C>T. VCF-style: chr7-139957741-C-T. GRCh37 (hg19) VCF-style: chr7-139657540-C-T.
Other names: c.796C>T, p.Arg266Trp (NM_001130966.5, NM_030984.6); c.934C>T, p.Arg312Trp (NM_001166253.4); c.595C>T, p.Arg199Trp (NM_001166254.4); c.739C>T, p.Arg247Trp (NM_001314028.4); c.613C>T, p.Arg205Trp (NM_001366537.3); short protein forms R199W, R205W, R247W, R266W, R312W.
Identifiers: ClinVar variation 1307069 (VCV001307069.11), dbSNP rs140774405, ClinGen allele CA4511803.
Genomic context (GRCh38, chr7:139,957,741, plus strand): 5'-AAGAACCGAGACGAACTGAATGGCTTTTTTAACAAACTCATTAGGAATGTGATTGCCTTG[C>T]GGGACCAGCAAGCTGCCGAAGAGGTAACGTATTTTAATAGGACACAGCCTTGAAATGGAA-3'
Protein context (NP_001052.3, residues 256-276): NKLIRNVIAL[Arg266Trp]DQQAAEERRR